The following is an entry in ClinVar:

NM_002474.3(MYH11):c.5118G>T (p.Ala1706=)

Genes: NDE1 (nudE neurodevelopment protein 1; plus strand), MYH11 (myosin heavy chain 11; minus strand). Cytogenetic location: 16p13.11.
Variant type: single nucleotide variant.
Coding change: c.5118G>T on transcript NM_002474.3 (MANE Select); coding-DNA position 5118, G replaced by T.
Protein change: p.Ala1706=; no amino-acid change (alanine 1706 retained).
Molecular consequence: synonymous variant. On other transcripts: intron variant (2).
Genome position (GRCh38, 1-based): chr16:15,719,273, C>A on the plus strand (G>T on the coding strand, the complement: MYH11 is on the minus strand). VCF-style: chr16-15719273-C-A. GRCh37 (hg19) VCF-style: chr16-15813130-C-A.
Other names: c.5118G>T (NM_002474.2); c.5139G>T, p.Ala1713= (NM_001040113.2, NM_001040114.2); c.5118G>T, p.Ala1706= (NM_022844.3); c.948-4918C>A (NM_001143979.2, NM_017668.3).
Identifiers: ClinVar variation 923132 (VCV000923132.12), dbSNP rs147582612, ClinGen allele CA7921413.

ClinVar aggregate classification (germline): Likely benign. Review status: criteria provided, multiple submitters, no conflicts (2 of 4 stars). 4 submissions from 4 submitters: Likely benign (4). Last evaluated 2024-12-08.

Conditions:
Familial thoracic aortic aneurysm and aortic dissection (TAAD). Also called: Thoracic aortic aneurysms and dissections. Identifiers: Orphanet 91387, MedGen C4707243, MONDO:0019625.
Aortic aneurysm, familial thoracic 4 (AAT4). Also called: AORTIC ANEURYSM/AORTIC DISSECTION AND PATENT DUCTUS ARTERIOSUS. Identifiers: MedGen C1851504, MONDO:0007568, OMIM 132900.

gnomAD v4.1: 12 of 1,612,886 alleles (0.00074%); highest among the groups gnomAD compares: Admixed American, 0.0067%; no homozygotes.

Submissions (4):

Ambry Genetics
Classification: Likely benign for Familial thoracic aortic aneurysm and aortic dissection. Last evaluated: 2024-12-08. Review status: criteria provided, single submitter. Criteria: Ambry Variant Classification Scheme 2023. Collection method: clinical testing. Allele origin: germline.

Labcorp Genetics (formerly Invitae), Labcorp
Classification: Likely benign for Aortic aneurysm, familial thoracic 4. Last evaluated: 2024-04-08. Review status: criteria provided, single submitter. Criteria: Invitae Variant Classification Sherloc (09022015). Collection method: clinical testing. Allele origin: germline.

All of Us Research Program, National Institutes of Health
Classification: Likely benign for Familial thoracic aortic aneurysm and aortic dissection. Last evaluated: 2024-02-05. Review status: criteria provided, single submitter. Criteria: ACMG Guidelines, 2015. Collection method: clinical testing. Allele origin: germline. Inheritance: Autosomal dominant inheritance. Observed: 2 variant alleles, 2 heterozygotes.
Comment: This study involves interpretation of variants in research participants for the purpose of population health screening. Participant phenotype was not available at the time of variant classification. Additional details can be found in publication PMID: 35346344, PMCID: PMC8962531

Color Diagnostics, LLC DBA Color Health
Classification: Likely benign for Familial thoracic aortic aneurysm and aortic dissection. Last evaluated: 2019-03-30. Review status: criteria provided, single submitter. Criteria: ACMG Guidelines, 2015. Collection method: clinical testing. Allele origin: germline.